The following is an entry in ClinVar:

NM_000038.6(APC):c.4783G>C (p.Ala1595Pro)

Gene: APC (APC regulator of Wnt signaling pathway; plus strand). Cytogenetic location: 5q22.2.
Variant type: single nucleotide variant.
Coding change: c.4783G>C on transcript NM_000038.6 (MANE Select); coding-DNA position 4783, G replaced by C.
Protein change: p.Ala1595Pro; replaces alanine 1595 with proline.
Molecular consequence: missense variant.
Genome position (GRCh38, 1-based): chr5:112,840,377, G>C. VCF-style: chr5-112840377-G-C. GRCh37 (hg19) VCF-style: chr5-112176074-G-C.
Other names: c.4783G>C, p.Ala1595Pro (NM_001127510.3, NM_001354895.2); c.4729G>C, p.Ala1577Pro (NM_001127511.3); c.4837G>C, p.Ala1613Pro (NM_001354896.2); c.4813G>C, p.Ala1605Pro (NM_001354897.2); c.4708G>C, p.Ala1570Pro (NM_001354898.2); c.4699G>C, p.Ala1567Pro (NM_001354899.2); c.4660G>C, p.Ala1554Pro (NM_001354900.2); c.4606G>C, p.Ala1536Pro (NM_001354901.2); and 5 more; short protein forms A1577P, A1595P, A1312P, A1469P, A1494P, A1570P, A1613P, A1567P.
Identifiers: ClinVar variation 236609 (VCV000236609.22), dbSNP rs749782426, ClinGen allele CA039872.

ClinVar aggregate classification (germline): Uncertain significance. Review status: criteria provided, multiple submitters, no conflicts (2 of 4 stars). 8 submissions from 8 submitters: Uncertain significance (7). 1 of the submissions does not count toward it. Last evaluated 2025-11-23.

Conditions:
Hereditary cancer-predisposing syndrome. Also called: Hereditary neoplastic syndrome; Hereditary Cancer Syndrome; Neoplastic Syndromes, Hereditary; Tumor predisposition. Identifiers: Orphanet 140162, MedGen C0027672, MeSH D009386, MONDO:0015356.
Classic or attenuated familial adenomatous polyposis. Identifiers: MedGen CN372698, MONDO:0021057.
Familial adenomatous polyposis 1 (FAP1). Also called: FAMILIAL ADENOMATOUS POLYPOSIS 1, ATTENUATED; POLYPOSIS, ADENOMATOUS INTESTINAL. Identifiers: MedGen C2713442, MONDO:0021056, OMIM 175100. Disease mechanism: loss of function.

Allele frequency attached by ClinVar (database versions not stated): TOPMed below 0.00001; ExAC 0.00001.

Submissions (8):

Labcorp Genetics (formerly Invitae), Labcorp
Classification: Uncertain significance for Familial adenomatous polyposis 1. Last evaluated: 2025-11-23. Review status: criteria provided, single submitter. Criteria: Invitae Variant Classification Sherloc (09022015). Collection method: clinical testing. Allele origin: germline.
Comment: This sequence change replaces alanine, which is neutral and non-polar, with proline, which is neutral and non-polar, at codon 1595 of the APC protein (p.Ala1595Pro). This variant is present in population databases (rs749782426, gnomAD 0.0009%). This variant has not been reported in the literature in individuals affected with APC-related conditions. ClinVar contains an entry for this variant (Variation ID: 236609). Invitae Evidence Modeling of protein sequence and biophysical properties (such as structural, functional, and spatial information, amino acid conservation, physicochemical variation, residue mobility, and thermodynamic stability) indicates that this missense variant is not expected to disrupt APC protein function with a negative predictive value of 95%. In summary, the available evidence is currently insufficient to determine the role of this variant in disease. Therefore, it has been classified as a Variant of Uncertain Significance.

Ambry Genetics
Classification: Uncertain significance for Hereditary cancer-predisposing syndrome. Last evaluated: 2025-09-10. Review status: criteria provided, single submitter. Criteria: Ambry Variant Classification Scheme 2023. Collection method: clinical testing. Allele origin: germline.
Comment: The p.A1595P variant (also known as c.4783G>C), located in coding exon 15 of the APC gene, results from a G to C substitution at nucleotide position 4783. The alanine at codon 1595 is replaced by proline, an amino acid with highly similar properties. This amino acid position is not well conserved in available vertebrate species. In addition, in silico predictors for this gene do not accurately predict pathogenicity. Since supporting evidence is limited at this time, the clinical significance of this alteration remains unclear.

All of Us Research Program, National Institutes of Health
Classification: Uncertain significance for Classic or attenuated familial adenomatous polyposis. Last evaluated: 2024-05-30. Review status: criteria provided, single submitter. Criteria: ACMG Guidelines, 2015. Collection method: clinical testing. Allele origin: germline. Inheritance: Autosomal dominant inheritance. Observed: 1 variant allele, 1 heterozygote.
Comment: This missense variant replaces alanine with proline at codon 1595 of the APC protein. Computational prediction suggests that this variant may not impact protein structure and function (internally defined REVEL score threshold <= 0.5, PMID: 27666373). To our knowledge, functional studies have not been reported for this variant. This variant has not been reported in individuals affected with APC-related disorders in the literature. This variant has been identified in 2/251196 chromosomes in the general population by the Genome Aggregation Database (gnomAD). The available evidence is insufficient to determine the role of this variant in disease conclusively. Therefore, this variant is classified as a Variant of Uncertain Significance.

This study involves interpretation of variants in research participants for the purpose of population health screening. Participant phenotype was not available at the time of variant classification. Additional details can be found in publication PMID: 35346344, PMCID: PMC8962531

GeneDx
Classification: Uncertain significance. Last evaluated: 2023-09-24. Review status: criteria provided, single submitter. Criteria: GeneDx Variant Classification Process June 2021. Collection method: clinical testing. Allele origin: germline. Affected: yes.
Comment: Not observed at significant frequency in large population cohorts (gnomAD); In silico analysis supports that this missense variant does not alter protein structure/function; Observed in control individuals and not in any biliary tract cancer cases in the published literature (Okawa et al., 2023); This variant is associated with the following publications: (PMID: 18199528, 36243179)

Baylor Genetics
Classification: Uncertain significance for Familial adenomatous polyposis 1. Last evaluated: 2023-08-31. Review status: criteria provided, single submitter. Criteria: ACMG Guidelines, 2015. Collection method: clinical testing. Allele origin: unknown.

Myriad Genetics, Inc.
Classification: Uncertain significance for Familial adenomatous polyposis 1. Last evaluated: 2023-02-15. Review status: criteria provided, single submitter. Criteria: Myriad Autosomal Dominant, Autosomal Recessive and X-Linked Classification Criteria (2023). Collection method: clinical testing. Allele origin: unknown.
Comment: This variant is classified as a variant of uncertain significance as there is insufficient evidence to determine its impact on protein function and/or cancer risk.

Quest Diagnostics Nichols Institute San Juan Capistrano
Classification: Uncertain significance. Last evaluated: 2021-08-21. Review status: criteria provided, single submitter. Criteria: Quest Diagnostics criteria. Collection method: clinical testing. Allele origin: unknown.

Counsyl
Classification: Uncertain significance for Familial adenomatous polyposis 1. Last evaluated: 2016-09-12. Review status: no assertion criteria provided. Collection method: clinical testing. Allele origin: unknown. Not counted in ClinVar's aggregate classification.